The following is an entry in ClinVar:

NM_001039591.3(USP9X):c.1527C>T (p.Asn509=)

Gene: USP9X (ubiquitin specific peptidase 9 X-linked; plus strand). Cytogenetic location: Xp11.4.
Variant type: single nucleotide variant.
Coding change: c.1527C>T on transcript NM_001039591.3 (MANE Select); coding-DNA position 1527, C replaced by T.
Protein change: p.Asn509=; no amino-acid change (asparagine 509 retained).
Molecular consequence: synonymous variant.
Genome position (GRCh38, 1-based): chrX:41,148,476, C>T. VCF-style: chrX-41148476-C-T. GRCh37 (hg19) VCF-style: chrX-41007729-C-T.
Other names: c.1527C>T, p.Asn509= (NM_001039590.3, NM_001410748.1, NM_001410749.1).
Identifiers: ClinVar variation 3007547 (VCV003007547.16), dbSNP rs778305488, ClinGen allele CA10388445.
Genomic context (GRCh38, chrX:41,148,476, plus strand): 5'-GCTGATACGTCGTCTTGCAGAAGATGATAAAGATGGTGTGATGGCACACAAAGTGTTGAA[C>T]CTTCTGTGGAATCTGGCTCACAGTGATGATGTGCCTGTAGATATCATGGACCTGGCTCTC-3'
Protein context (NP_001034680.2, residues 499-519): KDGVMAHKVL[Asn509=]LLWNLAHSDD

ClinVar aggregate classification (germline): Likely benign. Review status: criteria provided, multiple submitters, no conflicts (2 of 4 stars). 2 submissions from 2 submitters: Likely benign (2). Last evaluated 2024-12-01.

Allele frequency attached by ClinVar (database versions not stated): TOPMed 0.00001; ExAC 0.00007.
gnomAD v4.1: 41 of 1,211,712 alleles (0.0034%); highest among the groups gnomAD compares: Non-Finnish European, 0.0046%; no homozygotes.

Submissions (2):

CeGaT Center for Human Genetics Tuebingen
Classification: Likely benign. Last evaluated: 2024-12-01. Review status: criteria provided, single submitter. Criteria: CeGaT Center For Human Genetics Tuebingen Variant Classification Criteria Version 2. Collection method: clinical testing. Allele origin: germline. Affected: yes. Observed: 1 variant allele.
Comment: USP9X: BP4, BP7, BS2

Labcorp Genetics (formerly Invitae), Labcorp
Classification: Likely benign. Last evaluated: 2024-10-30. Review status: criteria provided, single submitter. Criteria: Invitae Variant Classification Sherloc (09022015). Collection method: clinical testing. Allele origin: germline.